The following is an entry in ClinVar:

NM_001369.3(DNAH5):c.3834+1G>A

Genes: DNAH5-AS1 (DNAH5 antisense RNA 1; plus strand), DNAH5 (dynein axonemal heavy chain 5; minus strand). Cytogenetic location: 5p15.2.
Variant type: single nucleotide variant.
Coding change: c.3834+1G>A on transcript NM_001369.3 (MANE Select); the canonical splice donor site of the intron after coding-DNA position 3834, G replaced by A.
Molecular consequence: splice donor variant.
Genome position (GRCh38, 1-based): chr5:13,870,766, C>T on the plus strand (G>A on the coding strand, the complement: DNAH5 is on the minus strand). VCF-style: chr5-13870766-C-T. GRCh37 (hg19) VCF-style: chr5-13870875-C-T.
Identifiers: ClinVar variation 2760153 (VCV002760153.3), dbSNP rs2546995478, ClinGen allele CA359231160.
Genomic context (GRCh38, chr5:13,870,766, plus strand): 5'-TCAGCTAATAGCATCCAACATGTAGAAATATTTCTATAATGAACAAATGATCATTAGTTA[C>T]CTCAATAGGTCCTACTTGAAAGTCAATGGAGATTTGCTCCTCCCTTATTTCTTTCAGCGC-3'

ClinVar aggregate classification (germline): Likely pathogenic (1 of 4 stars; one submission).

Conditions:
Primary ciliary dyskinesia. Also called: Ciliary dyskinesia. Identifiers: Orphanet 244, MedGen C0008780, MONDO:0016575, HP:0012265.

Submission:

Labcorp Genetics (formerly Invitae), Labcorp
Classification: Likely pathogenic for Primary ciliary dyskinesia. Last evaluated: 2023-02-23. Review status: criteria provided, single submitter. Criteria: Invitae Variant Classification Sherloc (09022015). Collection method: clinical testing. Allele origin: germline.
Comment: In summary, the currently available evidence indicates that the variant is pathogenic, but additional data are needed to prove that conclusively. Therefore, this variant has been classified as Likely Pathogenic. Algorithms developed to predict the effect of sequence changes on RNA splicing suggest that this variant may disrupt the consensus splice site. This variant has not been reported in the literature in individuals affected with DNAH5-related conditions. This variant is not present in population databases (gnomAD no frequency). This sequence change affects a donor splice site in intron 24 of the DNAH5 gene. It is expected to disrupt RNA splicing. Variants that disrupt the donor or acceptor splice site typically lead to a loss of protein function (PMID: 16199547), and loss-of-function variants in DNAH5 are known to be pathogenic (PMID: 11788826, 16627867).

Literature cited by the submitters: PubMed 16199547; PubMed 11788826; PubMed 16627867.